The following is an entry in ClinVar:

ClinVar aggregate classification (germline): Uncertain significance (1 of 4 stars; one submission).

Conditions:
Duchenne muscular dystrophy (DMD). Also called: MUSCULAR DYSTROPHY, PSEUDOHYPERTROPHIC PROGRESSIVE, DUCHENNE TYPE; Duchenne Muscular Dystrophy (DMD). Identifiers: Orphanet 98896, MedGen C0013264, MONDO:0010679, OMIM 310200.

Submission:

Labcorp Genetics (formerly Invitae), Labcorp
Classification: Uncertain significance for Duchenne muscular dystrophy. Last evaluated: 2022-05-11. Review status: criteria provided, single submitter. Criteria: Invitae Variant Classification Sherloc (09022015). Collection method: clinical testing. Allele origin: germline.
Comment: In summary, the available evidence is currently insufficient to determine the role of this variant in disease. Therefore, it has been classified as a Variant of Uncertain Significance. Algorithms developed to predict the effect of missense changes on protein structure and function (SIFT, PolyPhen-2, Align-GVGD) all suggest that this variant is likely to be disruptive. This variant has not been reported in the literature in individuals affected with DMD-related conditions. This variant is not present in population databases (gnomAD no frequency). This sequence change replaces valine, which is neutral and non-polar, with leucine, which is neutral and non-polar, at codon 514 of the DMD protein (p.Val514Leu).

NM_004006.3(DMD):c.1540G>T (p.Val514Leu)

Gene: DMD (dystrophin; minus strand). Cytogenetic location: Xp21.1.
Variant type: single nucleotide variant.
Coding change: c.1540G>T on transcript NM_004006.3 (MANE Select); coding-DNA position 1540, G replaced by T.
Protein change: p.Val514Leu; replaces valine 514 with leucine.
Molecular consequence: missense variant.
Genome position (GRCh38, 1-based): chrX:32,595,819, C>A on the plus strand (G>T on the coding strand, the complement: DMD is on the minus strand). VCF-style: chrX-32595819-C-A. GRCh37 (hg19) VCF-style: chrX-32613936-C-A.
Other names: c.1516G>T, p.Val506Leu (NM_000109.4); c.1528G>T, p.Val510Leu (NM_004009.3); c.1171G>T, p.Val391Leu (NM_004010.3); short protein forms V506L, V514L, V391L, V510L.
Identifiers: ClinVar variation 2090938 (VCV002090938.4), dbSNP rs1045384313, ClinGen allele CA412665483.
Genomic context (GRCh38, chrX:32,595,819, plus strand): 5'-TAAGTTGTTCTTCCAAAGCAGCAGTTGCGTGATCTCCACTAGATTCATCAACTACCACCA[C>A]CATGTGAGTGAGAGAATTGACCCTGACTTGTTCTTGTTCTAGATCTTCTTGAAGCACCTG-3'
Protein context (NP_003997.2, residues 504-524): QVRVNSLTHM[Val514Leu]VVVDESSGDH